The following is an entry in ClinVar:

NM_018180.3(DHX32):c.1805A>G (p.Tyr602Cys)

Genes: BCCIP (BRCA2 and CDKN1A interacting protein; plus strand), DHX32 (DEAH-box helicase 32 (putative); minus strand). Cytogenetic location: 10q26.2.
Variant type: single nucleotide variant.
Coding change: c.1805A>G on transcript NM_018180.3 (MANE Select); coding-DNA position 1805, A replaced by G.
Protein change: p.Tyr602Cys; replaces tyrosine 602 with cysteine.
Molecular consequence: missense variant. On other transcripts: intron variant (2).
Genome position (GRCh38, 1-based): chr10:125,839,077, T>C on the plus strand (A>G on the coding strand, the complement: DHX32 is on the minus strand). VCF-style: chr10-125839077-T-C. GRCh37 (hg19) VCF-style: chr10-127527646-T-C.
Other names: c.775-2178T>C (NM_016567.4, NM_078469.3); short protein forms Y602C.
Identifiers: ClinVar variation 2820389 (VCV002820389.3), dbSNP rs2494370265, ClinGen allele CA378673081.

ClinVar aggregate classification (germline): Uncertain significance (1 of 4 stars; one submission).

Submission:

Labcorp Genetics (formerly Invitae), Labcorp
Classification: Uncertain significance. Last evaluated: 2022-12-25. Review status: criteria provided, single submitter. Criteria: Invitae Variant Classification Sherloc (09022015). Collection method: clinical testing. Allele origin: germline.
Comment: In summary, the available evidence is currently insufficient to determine the role of this variant in disease. Therefore, it has been classified as a Variant of Uncertain Significance. Algorithms developed to predict the effect of missense changes on protein structure and function output the following: SIFT: "Tolerated"; PolyPhen-2: "Benign"; Align-GVGD: "Class C0". The cysteine amino acid residue is found in multiple mammalian species, which suggests that this missense change does not adversely affect protein function. This variant has not been reported in the literature in individuals affected with DHX32-related conditions. This variant is not present in population databases (gnomAD no frequency). This sequence change replaces tyrosine, which is neutral and polar, with cysteine, which is neutral and slightly polar, at codon 602 of the DHX32 protein (p.Tyr602Cys).